The following is an entry in ClinVar:

NM_006180.6(NTRK2):c.1204A>G (p.Thr402Ala)

Gene: NTRK2 (neurotrophic receptor tyrosine kinase 2; plus strand). Cytogenetic location: 9q21.33.
Variant type: single nucleotide variant.
Coding change: c.1204A>G on transcript NM_006180.6 (MANE Select); coding-DNA position 1204, A replaced by G.
Protein change: p.Thr402Ala; replaces threonine 402 with alanine.
Molecular consequence: missense variant.
Genome position (GRCh38, 1-based): chr9:84,744,981, A>G. VCF-style: chr9-84744981-A-G. GRCh37 (hg19) VCF-style: chr9-87359896-A-G.
Other names: c.1204A>G, p.Thr402Ala (NM_001007097.3, NM_001018064.3, NM_001018065.2 and 15 more transcripts); c.1165A>G, p.Thr389Ala (NM_001291937.2, NM_001369546.1); c.1168A>G, p.Thr390Ala (NM_001369534.1); c.736A>G, p.Thr246Ala (NM_001369535.1, NM_001369536.1, NM_001369550.1 and 2 more transcripts); c.1204A>G (NM_006180.3); short protein forms T246A, T389A, T390A, T402A.
Identifiers: ClinVar variation 3345890 (VCV003345890.3).

ClinVar aggregate classification (germline): Uncertain significance. Review status: criteria provided, multiple submitters, no conflicts (2 of 4 stars). 3 submissions from 3 submitters: Uncertain significance (2). 1 of the submissions does not count toward it. Last evaluated 2025-10-02.

Conditions:
NTRK2-related disorder. Also called: NTRK2-related condition.
Inborn genetic diseases. Identifiers: MedGen C0950123, MeSH D030342.

gnomAD v4.1: 6 of 1,602,004 alleles (0.00037%); highest among the groups gnomAD compares: South Asian, 0.0055%; no homozygotes.

Submissions (3):

Ambry Genetics
Classification: Uncertain significance for Inborn genetic diseases. Last evaluated: 2025-10-02. Review status: criteria provided, single submitter. Criteria: Ambry Variant Classification Scheme 2023. Collection method: clinical testing. Allele origin: germline.

Labcorp Genetics (formerly Invitae), Labcorp
Classification: Uncertain significance. Last evaluated: 2025-07-23. Review status: criteria provided, single submitter. Criteria: Invitae Variant Classification Sherloc (09022015). Collection method: clinical testing. Allele origin: germline.
Comment: This sequence change replaces threonine, which is neutral and polar, with alanine, which is neutral and non-polar, at codon 402 of the NTRK2 protein (p.Thr402Ala). This variant is present in population databases (rs754864774, gnomAD 0.003%). This variant has not been reported in the literature in individuals affected with NTRK2-related conditions. ClinVar contains an entry for this variant (Variation ID: 3345890). An algorithm developed to predict the effect of missense changes on protein structure and function (PolyPhen-2) suggests that this variant is likely to be tolerated. In summary, the available evidence is currently insufficient to determine the role of this variant in disease. Therefore, it has been classified as a Variant of Uncertain Significance.

PreventionGenetics, part of Exact Sciences
Classification: Uncertain significance for NTRK2-related condition. Last evaluated: 2024-08-07. Review status: no assertion criteria provided. Collection method: clinical testing. Allele origin: germline. Not counted in ClinVar's aggregate classification.
Comment: The NTRK2 c.1204A>G variant is predicted to result in the amino acid substitution p.Thr402Ala. To our knowledge, this variant has not been reported in the literature. This variant is reported in 0.0033% of alleles in individuals of South Asian descent in gnomAD. At this time, the clinical significance of this variant is uncertain due to the absence of conclusive functional and genetic evidence.